The following is an entry in ClinVar:

NM_004260.4(RECQL4):c.3212G>A (p.Arg1071His)

Gene: RECQL4 (RecQ like helicase 4; minus strand). Cytogenetic location: 8q24.3.
Variant type: single nucleotide variant.
Coding change: c.3212G>A on transcript NM_004260.4 (MANE Select); coding-DNA position 3212, G replaced by A.
Protein change: p.Arg1071His; replaces arginine 1071 with histidine.
Molecular consequence: missense variant.
Genome position (GRCh38, 1-based): chr8:144,512,168, C>T on the plus strand (G>A on the coding strand, the complement: RECQL4 is on the minus strand). VCF-style: chr8-144512168-C-T. GRCh37 (hg19) VCF-style: chr8-145737551-C-T.
Other names: short protein forms R1071H.
Identifiers: ClinVar variation 459466 (VCV000459466.10), dbSNP rs773856131, ClinGen allele CA4947884.
Genomic context (GRCh38, chr8:144,512,168, plus strand): 5'-GTGGATGGTCCCAGGCCCCGCCCGCCTCCTCCCAACCTGTGAAAGGCCTGGAAGGTTCTG[C>T]GCAGACGGGCCAGGGCCTGGCGCTCCCGGGCCTGCACACGGCCATAGAGGAAGTCACATA-3'
Protein context (NP_004251.4, residues 1061-1081): ARERQALARL[Arg1071His]RTFQAFHSVA

ClinVar aggregate classification (germline): Uncertain significance. Review status: criteria provided, multiple submitters, no conflicts (2 of 4 stars). 3 submissions from 3 submitters: Uncertain significance (3). Last evaluated 2024-12-24.

Conditions:
Hereditary cancer-predisposing syndrome. Also called: Neoplastic Syndromes, Hereditary; Hereditary Cancer Syndrome; Hereditary neoplastic syndrome; Tumor predisposition. Identifiers: Orphanet 140162, MedGen C0027672, MeSH D009386, MONDO:0015356.
Baller-Gerold syndrome (BGS). Also called: CRANIOSYNOSTOSIS WITH RADIAL DEFECTS. Identifiers: Orphanet 1225, MedGen C0265308, MONDO:0009039, OMIM 218600.

Allele frequency attached by ClinVar (database versions not stated): gnomAD exomes 0.00002 and 0.00008; ExAC 0.00003; gnomAD 0.00003; TOPMed 0.00003.
gnomAD v4.1: 118 of 1,610,606 alleles (0.0073%); highest among the groups gnomAD compares: Non-Finnish European, 0.0092%; no homozygotes.

Submissions (3):

Labcorp Genetics (formerly Invitae), Labcorp
Classification: Uncertain significance for Baller-Gerold syndrome. Last evaluated: 2024-12-24. Review status: criteria provided, single submitter. Criteria: Invitae Variant Classification Sherloc (09022015). Collection method: clinical testing. Allele origin: germline.
Comment: This sequence change replaces arginine, which is basic and polar, with histidine, which is basic and polar, at codon 1071 of the RECQL4 protein (p.Arg1071His). The frequency data for this variant in the population databases is considered unreliable, as metrics indicate poor data quality at this position in the gnomAD database. This variant has not been reported in the literature in individuals affected with RECQL4-related conditions. ClinVar contains an entry for this variant (Variation ID: 459466). Invitae Evidence Modeling of protein sequence and biophysical properties (such as structural, functional, and spatial information, amino acid conservation, physicochemical variation, residue mobility, and thermodynamic stability) indicates that this missense variant is not expected to disrupt RECQL4 protein function with a negative predictive value of 80%. In summary, the available evidence is currently insufficient to determine the role of this variant in disease. Therefore, it has been classified as a Variant of Uncertain Significance.

Blueprint Genetics
Classification: Uncertain significance. Last evaluated: 2024-02-19. Review status: criteria provided, single submitter. Criteria: ACMG Guidelines, 2015. Collection method: clinical testing. Allele origin: germline.

Sema4
Classification: Uncertain significance for Hereditary cancer-predisposing syndrome. Last evaluated: 2022-02-15. Review status: criteria provided, single submitter. Criteria: Sema4 Curation Guidelines. Collection method: curation. Allele origin: germline.
Comment: The RECQL4 c.3212G>A (p.R1071H) variant has not been reported in the literature to our knowledge. This variant was observed in 6/273756 chromosomes across all population in the large and broad cohorts in the Genome Aggregation Database (PMID: 32461654). The variant has been reported in ClinVar (Variation ID: 459466). The evidence is insufficient to meet ACMG/AMP criteria for classifying the variant as benign or pathogenic. Thus, the clinical significance of this variant is currently uncertain.